The following is an entry in ClinVar:

NM_014915.3(ANKRD26):c.3500T>C (p.Ile1167Thr)

Gene: ANKRD26 (ankyrin repeat domain containing 26; minus strand). Cytogenetic location: 10p12.1.
Variant type: single nucleotide variant.
Coding change: c.3500T>C on transcript NM_014915.3 (MANE Select); coding-DNA position 3500, T replaced by C.
Protein change: p.Ile1167Thr; replaces isoleucine 1167 with threonine.
Molecular consequence: missense variant.
Genome position (GRCh38, 1-based): chr10:27,034,950, A>G on the plus strand (T>C on the coding strand, the complement: ANKRD26 is on the minus strand). VCF-style: chr10-27034950-A-G. GRCh37 (hg19) VCF-style: chr10-27323879-A-G.
Other names: c.3497T>C, p.Ile1166Thr (NM_001256053.2); short protein forms I1166T, I1167T.
Identifiers: ClinVar variation 3871607 (VCV003871607.1).

ClinVar aggregate classification (germline): Uncertain significance (1 of 4 stars; one submission).

Conditions:
Inborn genetic diseases. Identifiers: MedGen C0950123, MeSH D030342.

gnomAD v4.1: 2 of 1,614,026 alleles (0.00012%); highest among the groups gnomAD compares: African/African-American, 0.0013%; no homozygotes.

Submission:

Ambry Genetics
Classification: Uncertain significance for Inborn genetic diseases. Last evaluated: 2025-02-22. Review status: criteria provided, single submitter. Criteria: Ambry Variant Classification Scheme 2023. Collection method: clinical testing. Allele origin: germline.
Comment: The p.I1167T variant (also known as c.3500T>C), located in coding exon 24 of the ANKRD26 gene, results from a T to C substitution at nucleotide position 3500. The isoleucine at codon 1167 is replaced by threonine, an amino acid with similar properties. This amino acid position is conserved. In addition, this alteration is predicted to be tolerated by in silico analysis. Based on the available evidence, the clinical significance of this variant remains unclear.